The following is an entry in ClinVar:

NM_000059.4(BRCA2):c.6715G>A (p.Glu2239Lys)

Gene: BRCA2 (BRCA2 DNA repair associated; plus strand). Cytogenetic location: 13q13.1.
Variant type: single nucleotide variant.
Coding change: c.6715G>A on transcript NM_000059.4 (MANE Select); coding-DNA position 6715, G replaced by A.
Protein change: p.Glu2239Lys; replaces glutamic acid 2239 with lysine.
Molecular consequence: missense variant.
Genome position (GRCh38, 1-based): chr13:32,341,070, G>A. VCF-style: chr13-32341070-G-A. GRCh37 (hg19) VCF-style: chr13-32915207-G-A.
Other names: short protein forms E2239K.
Identifiers: ClinVar variation 230921 (VCV000230921.8), dbSNP rs276174876, ClinGen allele CA10579706.

ClinVar aggregate classification (germline): Conflicting classifications of pathogenicity. Review status: criteria provided, conflicting classifications (1 of 4 stars). 4 submissions from 4 submitters: Uncertain significance (2); Likely benign (1). 1 of the submissions does not count toward it. Last evaluated 2025-05-05.

Conditions:
Breast neoplasm. Also called: Neoplasm of breast; Breast tumor; Neoplasm of the breast; Breast Neoplasms. Identifiers: MedGen C1458155, MeSH D001943, MONDO:0021100, HP:0100013. Disease mechanism: gain of function.
Hereditary cancer-predisposing syndrome. Also called: Neoplastic Syndromes, Hereditary; Tumor predisposition; Hereditary Cancer Syndrome; Hereditary neoplastic syndrome. Identifiers: Orphanet 140162, MedGen C0027672, MeSH D009386, MONDO:0015356.
Hereditary breast ovarian cancer syndrome. Also called: BRCA1- and BRCA2-Associated Hereditary Breast and Ovarian Cancer; Hereditary breast and ovarian cancer syndrome; Hereditary breast and ovarian cancer; Hereditary breast and ovarian cancer syndrome (HBOC); Breast and ovarian cancer; Hereditary breast and/or ovarian cancer syndrome. Identifiers: Orphanet 145, MedGen C0677776, MeSH D061325, MONDO:0003582. Disease mechanism: loss of function.

Submissions (4):

Labcorp Genetics (formerly Invitae), Labcorp
Classification: Uncertain significance for Hereditary breast ovarian cancer syndrome. Last evaluated: 2025-05-05. Review status: criteria provided, single submitter. Criteria: Invitae Variant Classification Sherloc (09022015). Collection method: clinical testing. Allele origin: germline.
Comment: This sequence change replaces glutamic acid, which is acidic and polar, with lysine, which is basic and polar, at codon 2239 of the BRCA2 protein (p.Glu2239Lys). This variant is not present in population databases (gnomAD no frequency). This variant has not been reported in the literature in individuals affected with BRCA2-related conditions. ClinVar contains an entry for this variant (Variation ID: 230921). Invitae Evidence Modeling of protein sequence and biophysical properties (such as structural, functional, and spatial information, amino acid conservation, physicochemical variation, residue mobility, and thermodynamic stability) indicates that this missense variant is not expected to disrupt BRCA2 protein function with a negative predictive value of 95%. In summary, the available evidence is currently insufficient to determine the role of this variant in disease. Therefore, it has been classified as a Variant of Uncertain Significance.

University of Washington Department of Laboratory Medicine, University of Washington
Classification: Likely benign for Hereditary cancer-predisposing syndrome. Last evaluated: 2023-03-23. Review status: criteria provided, single submitter. Criteria: Dines et al. (Genet Med. 2020). Collection method: curation. Allele origin: germline.
Comment: Missense variant in a coldspot region where missense variants are very unlikely to be pathogenic (PMID:31911673).

BRCA2 exon 11 coldspot. Reclassification based on statistical prior probability.

Ambry Genetics
Classification: Uncertain significance for Hereditary cancer-predisposing syndrome. Last evaluated: 2015-03-10. Review status: criteria provided, single submitter. Criteria: Ambry Variant Classification Scheme 2023. Collection method: clinical testing. Allele origin: germline.
Comment: The p.E2239K variant (also known as c.6715G>A and 6943G>A), located in coding exon 10 of the BRCA2 gene, results from a G to A substitution at nucleotide position 6715. The glutamic acid at codon 2239 is replaced by lysine, an amino acid with similar properties. This variant was not reported in population based cohorts in the following databases: Database of Single Nucleotide Polymorphisms (dbSNP), NHLBI Exome Sequencing Project (ESP), and 1000 Genomes Project. In the ESP, this variant was not observed in 6503 samples (13006 alleles) with coverage at this position. To date, this alteration has been detected with an allele frequency of approximately 0.001% (greater than 150000 alleles tested) in our clinical cohort. This amino acid position is highly conserved in available vertebrate species. In addition, the in silico prediction for this alteration is inconclusive. Since supporting evidence is limited at this time, the clinical significance of p.E2239K remains unclear.

3DMed Clinical Laboratory Inc
Classification: Uncertain significance for Neoplasm of the breast. Last evaluated: 2017-03-07. Review status: no assertion criteria provided. Criteria: ACMG Guidelines, 2015. Collection method: clinical testing. Allele origin: germline. Affected: yes. Not counted in ClinVar's aggregate classification.